The following is an entry in ClinVar:

NM_138348.6(OTULIN):c.324+112G>A

Gene: OTULIN (OTU deubiquitinase with linear linkage specificity; plus strand). Cytogenetic location: 5p15.2.
Variant type: single nucleotide variant.
Coding change: c.324+112G>A on transcript NM_138348.6 (MANE Select); 112 bases into the intron after coding-DNA position 324, G replaced by A.
Molecular consequence: intron variant.
Genome position (GRCh38, 1-based): chr5:14,678,887, G>A. VCF-style: chr5-14678887-G-A. GRCh37 (hg19) VCF-style: chr5-14678996-G-A.
Identifiers: ClinVar variation 2688193 (VCV002688193.2), dbSNP rs31930, ClinGen allele CA114009496.

ClinVar aggregate classification (germline): Benign (1 of 4 stars; one submission).

Allele frequency attached by ClinVar (database versions not stated): 1000 Genomes Project 0.91813; 1000 Genomes Project 30x 0.91880; gnomAD exomes 0.92316; gnomAD 0.94079; TOPMed 0.94552.
gnomAD v4.1: 535,805 of 577,316 alleles (93%); highest among the groups gnomAD compares: African/African-American, 97%; 249,064 homozygotes.

Submission:

Unidad de Genómica Garrahan, Hospital de Pediatría Garrahan
Classification: Benign. Last evaluated: 2024-01-24. Review status: criteria provided, single submitter. Criteria: ACMG Guidelines, 2015. Collection method: clinical testing. Allele origin: germline. Affected: no. Observed: 36 variant alleles.
Comment: This variant is classified as Benign based on local population frequency. This variant was detected in 38% of patients studied by a panel of primary immunodeficiencies. Number of patients: 36. Only high quality variants are reported.